The following is an entry in ClinVar:

ClinVar aggregate classification (germline): Benign. Review status: criteria provided, multiple submitters, no conflicts (2 of 4 stars). 17 submissions from 14 submitters: Benign (14). 3 of the submissions do not count toward it. Last evaluated 2026-02-03.

Conditions:
Autosomal dominant cerebellar ataxia. Also called: Spinocerebellar Ataxia, Dominant. Identifiers: Orphanet 99, MedGen C4087347, MONDO:0020380.
Inborn genetic diseases. Identifiers: MedGen C0950123, MeSH D030342.
Charcot-Marie-Tooth disease. Also called: Charcot-Marie-Tooth Neuropathy; Charcot-Marie-Tooth Hereditary Neuropathy. Identifiers: Orphanet 166, MedGen C0007959, MONDO:0015626.
Charcot-Marie-Tooth disease axonal type 2O. Also called: CHARCOT-MARIE-TOOTH NEUROPATHY, AXONAL, TYPE 2O; CHARCOT-MARIE-TOOTH DISEASE, AXONAL, AUTOSOMAL DOMINANT, TYPE 2O; Charcot-Marie-Tooth Neuropathy Type 2O; Charcot-Marie-Tooth disease, axonal, type 20. Identifiers: Orphanet 284232, MedGen C3280220, MONDO:0013644, OMIM 614228.
Autosomal dominant childhood-onset proximal spinal muscular atrophy without contractures. Also called: Spinal muscular atrophy, lower extremity-predominant 1, AD; SPINAL MUSCULAR ATROPHY, CHILDHOOD, PROXIMAL, AUTOSOMAL DOMINANT; KUGELBERG-WELANDER SYNDROME, AUTOSOMAL DOMINANT; SPINAL MUSCULAR ATROPHY, JUVENILE, PROXIMAL, AUTOSOMAL DOMINANT. Identifiers: Orphanet 209341, Orphanet 363447, MedGen C5780022, MONDO:0008026, OMIM 158600.
Cortical dysplasia, complex, with other brain malformations 13. Also called: Intellectual disability, autosomal dominant 13. Identifiers: MedGen C3281202, MONDO:0013805, OMIM 614563.

Allele frequency attached by ClinVar (database versions not stated): gnomAD exomes 0.18154 and 0.22460; ExAC 0.22921; gnomAD 0.29638 and 0.29982; ESP Exome Variant Server 0.30363; TOPMed 0.31868; 1000 Genomes Project 0.34724; 1000 Genomes Project 30x 0.35181.
gnomAD v4.1: 311,825 of 1,613,124 alleles (19%); highest among the groups gnomAD compares: African/African-American, 60%; 38,483 homozygotes.

Submissions (17):

Labcorp Genetics (formerly Invitae), Labcorp
Classification: Benign for Charcot-Marie-Tooth disease axonal type 2O. Last evaluated: 2026-02-03. Review status: criteria provided, single submitter. Criteria: Invitae Variant Classification Sherloc (09022015). Collection method: clinical testing. Allele origin: germline.

Genome-Nilou Lab
Classification: Benign for Charcot-Marie-Tooth disease axonal type 2O. Last evaluated: 2021-07-30. Review status: criteria provided, single submitter. Criteria: ACMG Guidelines, 2015. Collection method: clinical testing. Allele origin: germline. Affected: no.

Genome-Nilou Lab
Classification: Benign for Cortical dysplasia, complex, with other brain malformations 13. Last evaluated: 2021-07-30. Review status: criteria provided, single submitter. Criteria: ACMG Guidelines, 2015. Collection method: clinical testing. Allele origin: germline. Affected: no.

Genome-Nilou Lab
Classification: Benign for Autosomal dominant childhood-onset proximal spinal muscular atrophy without contractures. Last evaluated: 2021-07-30. Review status: criteria provided, single submitter. Criteria: ACMG Guidelines, 2015. Collection method: clinical testing. Allele origin: germline. Affected: no.

Illumina Laboratory Services, Illumina
Classification: Benign for Spinocerebellar Ataxia, Dominant. Last evaluated: 2018-01-13. Review status: criteria provided, single submitter. Criteria: ICSL Variant Classification Criteria 13 December 2019. Collection method: clinical testing. Allele origin: germline.
Comment: This variant was observed in the ICSL laboratory as part of a predisposition screen in an ostensibly healthy population. It had not been previously curated by ICSL or reported in the Human Gene Mutation Database (HGMD: prior to June 1st, 2018), and was therefore a candidate for classification through an automated scoring system. Utilizing variant allele frequency, disease prevalence and penetrance estimates, and inheritance mode, an automated score was calculated to assess if this variant is too frequent to cause the disease. Based on the score and internal cut-off values, a variant classified as benign is not then subjected to further curation. The score for this variant resulted in a classification of benign for this disease.

Illumina Laboratory Services, Illumina
Classification: Benign for Charcot-Marie-Tooth disease axonal type 2O. Last evaluated: 2018-01-13. Review status: criteria provided, single submitter. Criteria: ICSL Variant Classification Criteria 13 December 2019. Collection method: clinical testing. Allele origin: germline.
Comment: the same text as in the submission from Illumina Laboratory Services, Illumina above.

Mayo Clinic Laboratories, Mayo Clinic
Classification: Benign. Last evaluated: 2016-04-20. Review status: criteria provided, single submitter. Criteria: ACMG Guidelines, 2015. Collection method: clinical testing. Allele origin: germline. Observed: 738 variant alleles.

Laboratory for Molecular Medicine, Mass General Brigham Personalized Medicine
Classification: Benign. Last evaluated: 2016-03-28. Review status: criteria provided, single submitter. Criteria: LMM Criteria. Collection method: clinical testing. Allele origin: germline.
Comment: Variant identified in a genome or exome case(s) and assessed due to predicted null impact of the variant or pathogenic assertions in the literature or databases. Disclaimer: This variant has not undergone full assessment. The following are preliminary notes: Frequency

Ambry Genetics
Classification: Benign for Inborn genetic diseases. Last evaluated: 2016-01-08. Review status: criteria provided, single submitter. Criteria: Ambry Variant Classification Scheme 2023. Collection method: clinical testing. Allele origin: germline.

GeneDx
Classification: Benign. Last evaluated: 2015-03-03. Review status: criteria provided, single submitter. Criteria: GeneDx Variant Classification Process June 2021. Collection method: clinical testing. Allele origin: germline. Affected: yes.

Genetic Services Laboratory, University of Chicago
Classification: Benign for AllHighlyPenetrant. Last evaluated: 2013-04-25. Review status: criteria provided, single submitter. Criteria: ACMG Guidelines, 2007. Collection method: clinical testing. Allele origin: germline. Inheritance: Autosomal dominant inheritance.

Breakthrough Genomics
Classification: Benign. Review status: criteria provided, single submitter. Criteria: ACMG Guidelines, 2015. Collection method: not provided. Allele origin: germline. Inheritance: Autosomal dominant inheritance. Affected: yes.

Molecular Genetics Laboratory, London Health Sciences Centre
Classification: Benign for Charcot-Marie-Tooth disease. Review status: criteria provided, single submitter. Criteria: ACMG Guidelines, 2015. Collection method: clinical testing. Allele origin: germline. Affected: yes.

PreventionGenetics, part of Exact Sciences
Classification: Benign. Review status: criteria provided, single submitter. Criteria: ACMG Guidelines, 2015. Collection method: clinical testing. Allele origin: germline.

Clinical Genetics DNA and cytogenetics Diagnostics Lab, Erasmus MC, Erasmus Medical Center
Classification: Benign. Review status: no assertion criteria provided. Collection method: clinical testing. Allele origin: germline. Affected: yes. Study: VKGL Data-share Consensus. Not counted in ClinVar's aggregate classification.

Clinical Genetics, Academic Medical Center
Classification: Benign. Review status: no assertion criteria provided. Collection method: clinical testing. Allele origin: germline. Affected: yes. Study: VKGL Data-share Consensus. Not counted in ClinVar's aggregate classification.

Joint Genome Diagnostic Labs from Nijmegen and Maastricht, Radboudumc and MUMC+
Classification: Benign. Review status: no assertion criteria provided. Collection method: clinical testing. Allele origin: germline. Affected: yes. Study: VKGL Data-share Consensus. Not counted in ClinVar's aggregate classification.

NM_001376.5(DYNC1H1):c.13080T>C (p.Thr4360=)

Gene: DYNC1H1 (dynein cytoplasmic 1 heavy chain 1; plus strand). Cytogenetic location: 14q32.31.
Variant type: single nucleotide variant.
Coding change: c.13080T>C on transcript NM_001376.5 (MANE Select); coding-DNA position 13080, T replaced by C.
Protein change: p.Thr4360=; no amino-acid change (threonine 4360 retained).
Molecular consequence: synonymous variant.
Genome position (GRCh38, 1-based): chr14:102,047,890, T>C. VCF-style: chr14-102047890-T-C. GRCh37 (hg19) VCF-style: chr14-102514227-T-C.
Other names: p.Thr4360=.
Identifiers: ClinVar variation 128929 (VCV000128929.37), dbSNP rs13749, ClinGen allele CA152630.